The following is an entry in ClinVar:

ClinVar aggregate classification (germline): Conflicting classifications of pathogenicity. Review status: criteria provided, conflicting classifications (1 of 4 stars). 4 submissions from 4 submitters: Uncertain significance (1); Benign (1); Likely benign (1). 1 of the submissions does not count toward it. Last evaluated 2025-02-16.

Conditions:
Curry-Jones syndrome (CRJS). Identifiers: Orphanet 1553, MedGen C0795915, MONDO:0011134, OMIM 601707.

Allele frequency attached by ClinVar (database versions not stated): gnomAD 0.00073 and 0.00078; ExAC 0.00096; TOPMed 0.00046; gnomAD exomes 0.00056 and 0.00059; ESP Exome Variant Server 0.00062.
gnomAD v4.1: 919 of 1,609,762 alleles (0.057%); highest among the groups gnomAD compares: Non-Finnish European, 0.065%; 2 homozygotes.

Submissions (4):

Laboratory of Genetics, Children's Clinical University Hospital Latvia
Classification: Benign. Last evaluated: 2025-02-16. Review status: criteria provided, single submitter. Criteria: ACMG Guidelines, 2015. Collection method: clinical testing. Allele origin: germline. Affected: yes.

CeGaT Center for Human Genetics Tuebingen
Classification: Likely benign. Last evaluated: 2023-08-01. Review status: criteria provided, single submitter. Criteria: CeGaT Center For Human Genetics Tuebingen Variant Classification Criteria Version 2. Collection method: clinical testing. Allele origin: germline. Affected: yes. Observed: 3 variant alleles.
Comment: SMO: BP4

Mendelics
Classification: Uncertain significance for Curry-Jones syndrome. Last evaluated: 2019-05-28. Review status: criteria provided, single submitter. Criteria: Mendelics Assertion Criteria 2017. Collection method: clinical testing. Allele origin: unknown.

ITMI
No classification provided. Condition: AllHighlyPenetrant. Last evaluated: 2013-09-19. Review status: no classification provided. Collection method: reference population. Allele origin: germline. Not counted in ClinVar's aggregate classification.
Comment: Please see associated publication for description of ethnicities

Literature cited by the submitters: PubMed 24728327 (cited by ITMI).

NM_005631.5(SMO):c.2177G>A (p.Arg726Gln)

Gene: SMO (smoothened, frizzled class receptor; plus strand). Cytogenetic location: 7q32.1.
Variant type: single nucleotide variant.
Coding change: c.2177G>A on transcript NM_005631.5 (MANE Select); coding-DNA position 2177, G replaced by A.
Protein change: p.Arg726Gln; replaces arginine 726 with glutamine.
Molecular consequence: missense variant.
Genome position (GRCh38, 1-based): chr7:129,212,264, G>A. VCF-style: chr7-129212264-G-A. GRCh37 (hg19) VCF-style: chr7-128852105-G-A.
Other names: c.2177G>A, p.Arg726Gln (LRG_1393t1); short protein forms R726Q.
Identifiers: ClinVar variation 135263 (VCV000135263.27), dbSNP rs142495470, ClinGen allele CA162172.